The following is an entry in ClinVar:

ClinVar aggregate classification (germline): Likely benign (1 of 4 stars; one submission).

Allele frequency attached by ClinVar (database versions not stated): gnomAD 0.00001; gnomAD exomes 0.00003; TOPMed 0.00003; ExAC 0.00007.
gnomAD v4.1: 52 of 1,613,982 alleles (0.0032%); highest among the groups gnomAD compares: South Asian, 0.026%; no homozygotes.

Submission:

CeGaT Center for Human Genetics Tuebingen
Classification: Likely benign. Last evaluated: 2023-05-01. Review status: criteria provided, single submitter. Criteria: CeGaT Center For Human Genetics Tuebingen Variant Classification Criteria Version 2. Collection method: clinical testing. Allele origin: germline. Affected: yes. Observed: 1 variant allele.
Comment: CEBPZ: BP4, BP7

NM_005760.3(CEBPZ):c.1281A>G (p.Leu427=)

Gene: CEBPZ (CCAAT enhancer binding protein zeta; minus strand). Cytogenetic location: 2p22.2.
Variant type: single nucleotide variant.
Coding change: c.1281A>G on transcript NM_005760.3 (MANE Select); coding-DNA position 1281, A replaced by G.
Protein change: p.Leu427=; no amino-acid change (leucine 427 retained).
Molecular consequence: synonymous variant.
Genome position (GRCh38, 1-based): chr2:37,227,912, T>C on the plus strand (A>G on the coding strand, the complement: CEBPZ is on the minus strand). VCF-style: chr2-37227912-T-C. GRCh37 (hg19) VCF-style: chr2-37455055-T-C.
Identifiers: ClinVar variation 2650835 (VCV002650835.24), dbSNP rs767524324, ClinGen allele CA1616554.